The following is an entry in ClinVar:

ClinVar aggregate classification (germline): Pathogenic/Likely pathogenic. Review status: criteria provided, multiple submitters, no conflicts (2 of 4 stars). 4 submissions from 4 submitters: Pathogenic (2); Likely pathogenic (1). 1 of the submissions does not count toward it. Last evaluated 2024-09-02.

Conditions:
Hereditary breast ovarian cancer syndrome. Also called: Hereditary breast and ovarian cancer; Hereditary breast and ovarian cancer syndrome (HBOC); Hereditary breast and/or ovarian cancer syndrome; Breast and ovarian cancer; Hereditary breast and ovarian cancer syndrome; BRCA1- and BRCA2-Associated Hereditary Breast and Ovarian Cancer. Identifiers: Orphanet 145, MedGen C0677776, MeSH D061325, MONDO:0003582. Disease mechanism: loss of function.
Hereditary cancer-predisposing syndrome. Also called: Tumor predisposition; Neoplastic Syndromes, Hereditary; Hereditary neoplastic syndrome; Hereditary Cancer Syndrome. Identifiers: Orphanet 140162, MedGen C0027672, MeSH D009386, MONDO:0015356.
BRCA1-related disorder. Also called: BRCA1-related condition.

Submissions (4):

Blueprint Genetics
Classification: Likely pathogenic for BRCA1-related disorders. Last evaluated: 2024-09-02. Review status: criteria provided, single submitter. Criteria: ACMG Guidelines, 2015. Collection method: clinical testing. Allele origin: germline. Affected: yes. Observed: 3 variant alleles.

Labcorp Genetics (formerly Invitae), Labcorp
Classification: Pathogenic for Hereditary breast ovarian cancer syndrome. Last evaluated: 2022-08-19. Review status: criteria provided, single submitter. Criteria: Invitae Variant Classification Sherloc (09022015). Collection method: clinical testing. Allele origin: germline.
Comment: For these reasons, this variant has been classified as Pathogenic. ClinVar contains an entry for this variant (Variation ID: 924702). This premature translational stop signal has been observed in individual(s) with clinical features of hereditary breast and ovarian cancer (PMID: 31825140). This variant is not present in population databases (gnomAD no frequency). This sequence change creates a premature translational stop signal (p.Cys1513*) in the BRCA1 gene. It is expected to result in an absent or disrupted protein product. Loss-of-function variants in BRCA1 are known to be pathogenic (PMID: 20104584).

Color Diagnostics, LLC DBA Color Health
Classification: Pathogenic for Hereditary cancer-predisposing syndrome. Last evaluated: 2019-11-18. Review status: criteria provided, single submitter. Criteria: ACMG Guidelines, 2015. Collection method: clinical testing. Allele origin: germline.
Comment: This variant changes 1 nucleotide in exon 14 of the BRCA1 gene, creating a premature translation stop signal. This variant is expected to result in an absent or non-functional protein product. Splice site prediction tools suggest that this variant may not impact RNA splicing. To our knowledge, functional studies have not been performed for this variant. This variant has not been reported in individuals affected with hereditary cancer in the literature. This variant has not been identified in the general population by the Genome Aggregation Database (gnomAD). Loss of BRCA1 function is a known mechanism of disease. Based on the available evidence, this variant is classified as Pathogenic.

Clinical Genetics Laboratory, Skane University Hospital Lund
Classification: Pathogenic for Hereditary breast ovarian cancer syndrome. Last evaluated: 2026-02-18. Review status: no assertion criteria provided. Collection method: clinical testing. Allele origin: germline. Affected: yes. Not counted in ClinVar's aggregate classification.
Comment: Assessed according to the ClinGen ENIGMA BRCA1 and BRCA2 Expert Panel Specifications to the ACMG/AMP Variant Interpretation Guidelines for BRCA1 Version 1.2.0. Applied criteria: PVS1, PM2_supporting, PM5_strong.

Literature cited by the submitters: PubMed 31825140 (cited by Labcorp Genetics (formerly Invitae), Labcorp); PubMed 20104584 (cited by Labcorp Genetics (formerly Invitae), Labcorp).

NM_007294.4(BRCA1):c.4539C>A (p.Cys1513Ter)

Gene: BRCA1 (BRCA1 DNA repair associated; minus strand). Cytogenetic location: 17q21.31.
Variant type: single nucleotide variant.
Coding change: c.4539C>A on transcript NM_007294.4 (MANE Select); coding-DNA position 4539, C replaced by A.
Protein change: p.Cys1513Ter; replaces cysteine 1513 with a stop codon.
Molecular consequence: nonsense. On other transcripts: non-coding transcript variant (1).
Genome position (GRCh38, 1-based): chr17:43,074,467, G>T on the plus strand (C>A on the coding strand, the complement: BRCA1 is on the minus strand). VCF-style: chr17-43074467-G-T. GRCh37 (hg19) VCF-style: chr17-41226484-G-T.
Other names: c.4326C>A, p.Cys1442Ter (NM_001407571.1, NM_001407894.1, NM_001407895.1 and 12 more transcripts); c.4605C>A, p.Cys1535Ter (NM_001407581.1, NM_001407582.1); c.4602C>A, p.Cys1534Ter (NM_001407583.1, NM_001407585.1, NM_001407587.1 and 1 more transcripts); c.4599C>A, p.Cys1533Ter (NM_001407590.1, NM_001407591.1); c.4539C>A, p.Cys1513Ter (NM_001407593.1, NM_001407594.1, NM_001407596.1 and 8 more transcripts); c.4536C>A, p.Cys1512Ter (NM_001407610.1, NM_001407611.1, NM_001407612.1 and 17 more transcripts); c.4533C>A, p.Cys1511Ter (NM_001407627.1, NM_001407628.1, NM_001407629.1 and 14 more transcripts); c.4530C>A, p.Cys1510Ter (NM_001407644.1, NM_001407645.1); and 68 more; short protein forms C1534*, C1466*, C409*, C1513*, C1217*, C1402*, C1508*, C1512*.
Identifiers: ClinVar variation 924702 (VCV000924702.10), dbSNP rs2052610048, ClinGen allele CA10592438.